The following is an entry in ClinVar:

NM_005633.4(SOS1):c.1250T>C (p.Leu417Pro)

Gene: SOS1 (SOS Ras/Rac guanine nucleotide exchange factor 1; minus strand). Cytogenetic location: 2p22.1.
Variant type: single nucleotide variant.
Coding change: c.1250T>C on transcript NM_005633.4 (MANE Select); coding-DNA position 1250, T replaced by C.
Protein change: p.Leu417Pro; replaces leucine 417 with proline.
Molecular consequence: missense variant.
Genome position (GRCh38, 1-based): chr2:39,023,178, A>G on the plus strand (T>C on the coding strand, the complement: SOS1 is on the minus strand). VCF-style: chr2-39023178-A-G. GRCh37 (hg19) VCF-style: chr2-39250319-A-G.
Other names: c.1229T>C, p.Leu410Pro (NM_001382394.1); c.1250T>C, p.Leu417Pro (NM_001382395.1); short protein forms L410P, L417P.
Identifiers: ClinVar variation 981563 (VCV000981563.3), dbSNP rs1181175917, ClinGen allele CA346366603.

ClinVar aggregate classification (germline): Uncertain significance. Review status: criteria provided, single submitter (1 of 4 stars). 2 submissions from 2 submitters: Uncertain significance (1). 1 of the submissions does not count toward it. Last evaluated 2024-03-16.

Conditions:
RASopathy. Also called: Noonan spectrum disorder; rasopathies. Identifiers: Orphanet 536391, MedGen C5555857, MONDO:0021060.
Noonan syndrome (NS). Also called: Noonan's syndrome. Identifiers: Orphanet 648, MedGen C0028326, MeSH D009634, MONDO:0018997. Disease mechanism: gain of function.

Allele frequency attached by ClinVar (database versions not stated): gnomAD exomes below 0.00001; gnomAD 0.00001.
gnomAD v4.1: 2 of 1,613,060 alleles (0.00012%); highest among the groups gnomAD compares: Non-Finnish European, 0.00017%; no homozygotes.

Submissions (2):

Labcorp Genetics (formerly Invitae), Labcorp
Classification: Uncertain significance for RASopathy. Last evaluated: 2024-03-16. Review status: criteria provided, single submitter. Criteria: Invitae Variant Classification Sherloc (09022015). Collection method: clinical testing. Allele origin: germline.
Comment: This sequence change replaces leucine, which is neutral and non-polar, with proline, which is neutral and non-polar, at codon 417 of the SOS1 protein (p.Leu417Pro). This variant is present in population databases (no rsID available, gnomAD 0.002%). This variant has not been reported in the literature in individuals affected with SOS1-related conditions. ClinVar contains an entry for this variant (Variation ID: 981563). Advanced modeling of protein sequence and biophysical properties (such as structural, functional, and spatial information, amino acid conservation, physicochemical variation, residue mobility, and thermodynamic stability) has been performed at Invitae for this missense variant, however the output from this modeling did not meet the statistical confidence thresholds required to predict the impact of this variant on SOS1 protein function. In summary, the available evidence is currently insufficient to determine the role of this variant in disease. Therefore, it has been classified as a Variant of Uncertain Significance.

Service de Génétique Moléculaire, Hôpital Robert Debré
Classification: Uncertain significance for Noonan syndrome. Review status: no assertion criteria provided. Collection method: clinical testing. Allele origin: unknown. Affected: yes. Not counted in ClinVar's aggregate classification.